The following is an entry in ClinVar:

ClinVar aggregate classification (germline): Uncertain significance (1 of 4 stars; one submission).

Conditions:
Intellectual developmental disorder with autism and macrocephaly. Also called: Autism, susceptibility to, 18; CHD8-Related Neurodevelopmental Disorder with Overgrowth. Identifiers: Orphanet 642675, MedGen C3554373, MONDO:0014017, OMIM 615032.

Submission:

Institute of Human Genetics, University of Leipzig Medical Center
Classification: Uncertain significance for Intellectual developmental disorder with autism and macrocephaly. Last evaluated: 2024-04-12. Review status: criteria provided, single submitter. Criteria: ACMG Guidelines, 2015. Collection method: clinical testing. Allele origin: unknown. Inheritance: Autosomal dominant inheritance. Affected: yes.
Comment: Criteria applied: PM2_SUP,PP3

NM_001170629.2(CHD8):c.7066-4_7066-3delinsAA

Gene: CHD8 (chromodomain helicase DNA binding protein 8; minus strand). Cytogenetic location: 14q11.2.
Variant type: Indel.
Coding change: c.7066-4_7066-3delinsAA on transcript NM_001170629.2 (MANE Select); 4 bases into the intron before coding-DNA position 7066 through 3 bases into the intron before coding-DNA position 7066, GC replaced by AA.
Molecular consequence: intron variant.
Genome position (GRCh38, 1-based): chr14:21,391,066-21,391,067, GC replaced by TT on the plus strand (GC replaced by AA on the coding strand, the reverse complement: CHD8 is on the minus strand). VCF-style: chr14-21391066-GC-TT. GRCh37 (hg19) VCF-style: chr14-21859225-GC-TT.
Other names: c.6229-4_6229-3delinsAA (NM_020920.4).
Identifiers: ClinVar variation 3358944 (VCV003358944.2).